The following is an entry in ClinVar:

ClinVar aggregate classification (germline): Uncertain significance (1 of 4 stars; one submission).

Conditions:
Hereditary cancer-predisposing syndrome. Also called: Neoplastic Syndromes, Hereditary; Tumor predisposition; Hereditary neoplastic syndrome; Hereditary Cancer Syndrome. Identifiers: Orphanet 140162, MedGen C0027672, MeSH D009386, MONDO:0015356.

Allele frequency attached by ClinVar (database versions not stated): ExAC 0.00001; gnomAD 0.00001.
gnomAD v4.1: 9 of 1,613,994 alleles (0.00056%); highest among the groups gnomAD compares: Admixed American, 0.0017%; no homozygotes.

Submission:

Ambry Genetics
Classification: Uncertain significance for Hereditary cancer-predisposing syndrome. Last evaluated: 2024-08-17. Review status: criteria provided, single submitter. Criteria: Ambry Variant Classification Scheme 2023. Collection method: clinical testing. Allele origin: germline.
Comment: The p.G182S variant (also known as c.544G>A), located in coding exon 2 of the CDKN1B gene, results from a G to A substitution at nucleotide position 544. The glycine at codon 182 is replaced by serine, an amino acid with similar properties. This amino acid position is not well conserved in available vertebrate species. In addition, this alteration is predicted to be tolerated by in silico analysis. Since supporting evidence is limited at this time, the clinical significance of this alteration remains unclear.

NM_004064.5(CDKN1B):c.544G>A (p.Gly182Ser)

Gene: CDKN1B (cyclin dependent kinase inhibitor 1B; plus strand). Cytogenetic location: 12p13.1.
Variant type: single nucleotide variant.
Coding change: c.544G>A on transcript NM_004064.5 (MANE Select); coding-DNA position 544, G replaced by A.
Protein change: p.Gly182Ser; replaces glycine 182 with serine.
Molecular consequence: missense variant.
Genome position (GRCh38, 1-based): chr12:12,718,893, G>A. VCF-style: chr12-12718893-G-A. GRCh37 (hg19) VCF-style: chr12-12871827-G-A.
Other names: short protein forms G182S.
Identifiers: ClinVar variation 825743 (VCV000825743.5), dbSNP rs775220239, ClinGen allele CA6457567.